The following is an entry in ClinVar:

ClinVar aggregate classification (germline): Pathogenic (1 of 4 stars; one submission).

Submission:

Labcorp Genetics (formerly Invitae), Labcorp
Classification: Pathogenic. Last evaluated: 2025-05-13. Review status: criteria provided, single submitter. Criteria: Invitae Variant Classification Sherloc (09022015). Collection method: clinical testing. Allele origin: germline.
Comment: This sequence change creates a premature translational stop signal (p.Tyr284Cysfs*18) in the BEST1 gene. It is expected to result in an absent or disrupted protein product. Loss-of-function variants in BEST1 are known to be pathogenic (PMID: 21825197). This variant is not present in population databases (gnomAD no frequency). This variant has not been observed in the literature in individuals with autosomal recessive BEST1-related conditions. This variant has been reported in individual(s) with clinical features of autosomal dominant retinitis pigmentosa (internal data); however, the role of the variant in this condition is currently unclear. ClinVar contains an entry for this variant (Variation ID: 1977427). For these reasons, this variant has been classified as Pathogenic.

Literature cited by the submitters: PubMed 21825197.

NM_004183.4(BEST1):c.851_852del (p.Tyr284fs)

Gene: BEST1 (bestrophin 1; plus strand). Cytogenetic location: 11q12.3.
Variant type: Deletion.
Coding change: c.851_852del on transcript NM_004183.4 (MANE Select); coding-DNA positions 851 to 852, 2 bases deleted (AT; older notation c.851_852delAT).
Protein change: p.Tyr284fs; shifts the reading frame from tyrosine 284.
Molecular consequence: frameshift variant. On other transcripts: non-coding transcript variant (1).
Genome position (GRCh38, 1-based): chr11:61,958,282-61,958,283, AT deleted; deleting any 2 consecutive bases within chr11:61,958,281-61,958,283 gives the same sequence; the c. name uses the placement nearest the transcript's 3' end. VCF-style (leftmost placement, unchanged base first): chr11-61958280-CTA-C. GRCh37 (hg19) VCF-style: chr11-61725752-CTA-C.
Other names: c.671_672delAT, p.Tyr224Cysfs (NM_001139443.3); c.671_672del, p.Tyr224fs (NM_001300786.2, NM_001300787.2); c.533_534delAT, p.Tyr178Cysfs (NM_001363591.3); c.851_852delAT, p.Tyr284Cysfs (NM_001363592.2); c.-325_-324delAT (NM_001363593.3); short protein forms Y284fs, Y178fs, Y224fs.
Identifiers: ClinVar variation 1977427 (VCV001977427.5), dbSNP rs2541384886, ClinGen allele CA2580084373.